The following is an entry in ClinVar:

NM_001042492.3(NF1):c.4076dup (p.Gln1360fs)

Gene: NF1 (neurofibromin 1; plus strand). Cytogenetic location: 17q11.2.
Variant type: Duplication.
Coding change: c.4076dup on transcript NM_001042492.3 (MANE Select); coding-DNA position 4076, one base duplicated (C; older notation c.4076dupC).
Protein change: p.Gln1360fs; shifts the reading frame from glutamine 1360.
Molecular consequence: frameshift variant.
Genome position (GRCh38, 1-based): chr17:31,249,085, C duplicated; the last of 6 consecutive C bases (chr17:31,249,080-31,249,085); duplicating any one gives the same sequence. VCF-style (leftmost placement, unchanged base first): chr17-31249079-T-TC. GRCh37 (hg19) VCF-style: chr17-29576097-T-TC.
Other names: c.4076dup, p.Gln1360Serfs (NM_000267.4); short protein forms Q1360fs.
Identifiers: ClinVar variation 844453 (VCV000844453.48), dbSNP rs1135402852, ClinGen allele CA658761096.
Genomic context (GRCh38, chr17:31,249,079, plus strand): 5'-GGAACCTCCTTCAGATGACTGAAAAGTTCTTCCATGCCATCATCAGTTCCTCCTCAGAAT[T>TC]CCCCCCTCAACTTCGAAGTGTGTGCCACTGTTTATACCAGGTATGCTTACAGTTAGAGAT-3'

ClinVar aggregate classification (germline): Pathogenic/Likely pathogenic. Review status: criteria provided, multiple submitters, no conflicts (2 of 4 stars). 6 submissions from 6 submitters: Pathogenic (5); Likely pathogenic (1). Last evaluated 2026-04-24.

Conditions:
NF1-related disorder. Also called: NF1-related condition. Identifiers: MedGen CN379171.
Neurofibromatosis, type 1 (NF1). Also called: NEUROFIBROMATOSIS, TYPE I, SOMATIC; VON RECKLINGHAUSEN DISEASE; Peripheral type neurofibromatosis; Neurofibromatosis, type I. Identifiers: Orphanet 636, MedGen C0027831, MONDO:0018975, OMIM 162200. Disease mechanism: loss of function.

Submissions (6):

GeneDx
Classification: Pathogenic. Last evaluated: 2026-04-24. Review status: criteria provided, single submitter. Criteria: GeneDx Variant Classification Process June 2021. Collection method: clinical testing. Allele origin: germline.
Comment: Frameshift variant predicted to result in protein truncation or nonsense mediated decay in a gene for which loss of function is a known mechanism of disease; Not observed at significant frequency in large population cohorts (gnomAD); Also known as c.4076_4077insC; This variant is associated with the following publications: (PMID: 33877690, 23758643)

Labcorp Genetics (formerly Invitae), Labcorp
Classification: Pathogenic for Neurofibromatosis, type 1. Last evaluated: 2025-07-30. Review status: criteria provided, single submitter. Criteria: Invitae Variant Classification Sherloc (09022015). Collection method: clinical testing. Allele origin: germline.
Comment: This sequence change creates a premature translational stop signal (p.Gln1360Serfs*14) in the NF1 gene. It is expected to result in an absent or disrupted protein product. Loss-of-function variants in NF1 are known to be pathogenic (PMID: 10712197, 23913538). This variant is not present in population databases (gnomAD no frequency). This premature translational stop signal has been observed in individual(s) with neurofibromatosis type 1 (PMID: 23758643). Invitae Evidence Modeling of clinical and family history, age, sex, and reported ancestry of multiple individuals with this NF1 variant has been performed. This variant is expected to be pathogenic with a positive predictive value of at least 99%. This is a validated machine learning model that incorporates the clinical features of 1,785,918 individuals referred to our laboratory for NF1 testing. ClinVar contains an entry for this variant (Variation ID: 844453). For these reasons, this variant has been classified as Pathogenic.

Mendelics
Classification: Pathogenic for Neurofibromatosis, type 1. Last evaluated: 2022-05-04. Review status: criteria provided, single submitter. Criteria: Mendelics Assertion Criteria 2019. Collection method: clinical testing. Allele origin: germline.

Genome-Nilou Lab
Classification: Pathogenic for Neurofibromatosis, type 1. Last evaluated: 2022-03-15. Review status: criteria provided, single submitter. Criteria: ACMG Guidelines, 2015. Collection method: clinical testing. Allele origin: germline. Affected: no.

CeGaT Center for Human Genetics Tuebingen
Classification: Pathogenic. Last evaluated: 2020-11-01. Review status: criteria provided, single submitter. Criteria: CeGaT Center For Human Genetics Tuebingen Variant Classification Criteria Version 2. Collection method: clinical testing. Allele origin: germline. Affected: yes. Observed: 1 variant allele.

Blueprint Genetics
Classification: Likely pathogenic for NF1-related disorders. Last evaluated: 2019-03-29. Review status: criteria provided, single submitter. Criteria: ACMG Guidelines, 2015. Collection method: clinical testing. Allele origin: germline. Affected: yes. Observed: 1 variant allele.

Literature cited by the submitters: PubMed 10712197 (cited by Labcorp Genetics (formerly Invitae), Labcorp); PubMed 23913538 (cited by Labcorp Genetics (formerly Invitae), Labcorp); PubMed 23758643 (cited by Labcorp Genetics (formerly Invitae), Labcorp).